The following is an entry in ClinVar:

NM_020877.5(DNAH2):c.8972+9G>C

Gene: DNAH2 (dynein axonemal heavy chain 2; plus strand). Cytogenetic location: 17p13.1.
Variant type: single nucleotide variant.
Coding change: c.8972+9G>C on transcript NM_020877.5 (MANE Select); 9 bases into the intron after coding-DNA position 8972, G replaced by C.
Molecular consequence: intron variant.
Genome position (GRCh38, 1-based): chr17:7,802,026, G>C. VCF-style: chr17-7802026-G-C. GRCh37 (hg19) VCF-style: chr17-7705344-G-C.
Other names: c.8972+9G>C (NM_020877.3).
Identifiers: ClinVar variation 402711 (VCV000402711.7), dbSNP rs8073196, ClinGen allele CA8358553.

ClinVar aggregate classification (germline): Benign. Review status: criteria provided, multiple submitters, no conflicts (2 of 4 stars). 3 submissions from 3 submitters: Benign (2). 1 of the submissions does not count toward it. Last evaluated 2016-03-29.

Conditions:
DNAH2-related disorder. Also called: DNAH2-related condition.

Allele frequency attached by ClinVar (database versions not stated): 1000 Genomes Project 30x 0.12164; 1000 Genomes Project 0.12260; TOPMed 0.20224; gnomAD 0.21412; ESP Exome Variant Server 0.23097.
gnomAD v4.1: 432,013 of 1,613,706 alleles (27%); highest among the groups gnomAD compares: Non-Finnish European, 30%; 63,201 homozygotes.

Submissions (3):

Laboratory for Molecular Medicine, Mass General Brigham Personalized Medicine
Classification: Benign. Last evaluated: 2016-03-29. Review status: criteria provided, single submitter. Criteria: LMM Criteria. Collection method: clinical testing. Allele origin: germline.
Comment: Variant identified in a genome or exome case(s) and assessed due to predicted null impact of the variant or pathogenic assertions in the literature or databases. Disclaimer: This variant has not undergone full assessment. The following are preliminary notes: Frequency

Breakthrough Genomics
Classification: Benign. Review status: criteria provided, single submitter. Criteria: ACMG Guidelines, 2015. Collection method: not provided. Allele origin: germline. Inheritance: Autosomal recessive inheritance. Affected: yes.

PreventionGenetics, part of Exact Sciences
Classification: Benign for DNAH2-related condition. Last evaluated: 2019-10-21. Review status: no assertion criteria provided. Collection method: clinical testing. Allele origin: germline. Not counted in ClinVar's aggregate classification.
Comment: This variant is classified as benign based on ACMG/AMP sequence variant interpretation guidelines (Richards et al. 2015 PMID: 25741868, with internal and published modifications).